The following is an entry in ClinVar:

NM_002693.3(POLG):c.2982-31C>T

Gene: POLG (DNA polymerase gamma, catalytic subunit; minus strand). Cytogenetic location: 15q26.1.
Variant type: single nucleotide variant.
Coding change: c.2982-31C>T on transcript NM_002693.3 (MANE Select); 31 bases into the intron before coding-DNA position 2982, C replaced by T.
Molecular consequence: intron variant.
Genome position (GRCh38, 1-based): chr15:89,319,381, G>A on the plus strand (C>T on the coding strand, the complement: POLG is on the minus strand). VCF-style: chr15-89319381-G-A. GRCh37 (hg19) VCF-style: chr15-89862612-G-A.
Other names: c.2982-31C>T (NM_001126131.2).
Identifiers: ClinVar variation 619387 (VCV000619387.1), dbSNP rs2307432, ClinGen allele CA7724291.

ClinVar aggregate classification (germline): Likely benign (1 of 4 stars; one submission).

Conditions:
Progressive sclerosing poliodystrophy (MTDPS4A). Also called: Alpers-Huttenlocher Syndrome (AHS); Alpers Syndrome; ALPERS PROGRESSIVE INFANTILE POLIODYSTROPHY; Mitochondrial DNA depletion syndrome 4A (Alpers type); ALPERS DIFFUSE DEGENERATION OF CEREBRAL GRAY MATTER WITH HEPATIC CIRRHOSIS; Alpers-Huttenlocher Syndrome. Identifiers: Orphanet 726, MedGen C0205710, MONDO:0008758, OMIM 203700.

Allele frequency attached by ClinVar (database versions not stated): ExAC 0.00002; gnomAD exomes 0.00002; TOPMed 0.00002; ESP Exome Variant Server 0.00015.
gnomAD v4.1: 33 of 1,611,988 alleles (0.002%); highest among the groups gnomAD compares: East Asian, 0.0067%; no homozygotes.

Submission:

Wong Mito Lab, Molecular and Human Genetics, Baylor College of Medicine
Classification: Likely benign for Progressive sclerosing poliodystrophy. Last evaluated: 2018-10-01. Review status: criteria provided, single submitter. Criteria: ACMG Guidelines, 2015. Collection method: clinical testing. Allele origin: germline.
Comment: The NM_002693.2:c.2982-31C>T (NP_002684.1:p.=) [GRCH38: NC_000015.10:g.89319381G>A] variant in POLG gene is interpretated to be a Likely Benign based on ACMG guidelines (PMID: 25741868). This variant meets the following evidence codes reported in the ACMG-guideline. BP4:Computational evidence/predictors indicate no impact on the POLG structure, function, or protein-protein interaction. BP6:Reputable source(s) without shared data suggest the variant is benign. Based on the evidence criteria codes applied, the variant is suggested to be Likely Benign.